The following is an entry in ClinVar:

NM_001909.5(CTSD):c.949del (p.Ala317fs)

Gene: CTSD (cathepsin D; minus strand). Cytogenetic location: 11p15.5.
Variant type: Deletion.
Coding change: c.949del on transcript NM_001909.5 (MANE Select); coding-DNA position 949, one base deleted (G; older notation c.949delG).
Protein change: p.Ala317fs; shifts the reading frame from alanine 317.
Molecular consequence: frameshift variant.
Genome position (GRCh38, 1-based): chr11:1,754,017, C deleted on the plus strand (G on the coding strand, the reverse complement: CTSD is on the minus strand); the first of 4 consecutive C bases (chr11:1,754,017-1,754,020); deleting any one gives the same sequence. VCF-style (leftmost placement, unchanged base first): chr11-1754016-GC-G. GRCh37 (hg19) VCF-style: chr11-1775246-GC-G.
Other names: short protein forms A317fs.
Identifiers: ClinVar variation 1452955 (VCV001452955.7), dbSNP rs2133657826, ClinGen allele CA2573146020.

ClinVar aggregate classification (germline): Pathogenic (1 of 4 stars; one submission).

Conditions:
Neuronal ceroid lipofuscinosis. Also called: Neuronal Ceroid Lipofuscinoses. Identifiers: Orphanet 216, Orphanet 79263, MedGen C0027877, MONDO:0016295. Disease mechanism: loss of function.

Submission:

Labcorp Genetics (formerly Invitae), Labcorp
Classification: Pathogenic for Neuronal ceroid lipofuscinosis. Last evaluated: 2025-10-21. Review status: criteria provided, single submitter. Criteria: Invitae Variant Classification Sherloc (09022015). Collection method: clinical testing. Allele origin: germline.
Comment: This sequence change creates a premature translational stop signal (p.Ala317Profs*4) in the CTSD gene. It is expected to result in an absent or disrupted protein product. Loss-of-function variants in CTSD are known to be pathogenic (PMID: 16670177, 26059544). This variant is not present in population databases (gnomAD no frequency). This variant has not been reported in the literature in individuals affected with CTSD-related conditions. ClinVar contains an entry for this variant (Variation ID: 1452955). For these reasons, this variant has been classified as Pathogenic.

Literature cited by the submitters: PubMed 16670177; PubMed 26059544.